The following is an entry in ClinVar:

ClinVar aggregate classification (germline): Likely benign (1 of 4 stars; one submission).

Conditions:
Malignant hyperthermia, susceptibility to, 1 (MHS1). Also called: Anesthesia related hyperthermia; Malignant hyperpyrexia; Fulminating hyperpyrexia; Pharmacogenic myopathy; RYR1-Related Malignant Hyperthermia Susceptibility; Malignant hyperthermia suceptibility 1. Identifiers: Orphanet 423, MedGen C2930980, MONDO:0007783, OMIM 145600.

Submission:

All of Us Research Program, National Institutes of Health
Classification: Likely benign for Malignant hyperthermia, susceptibility to, 1. Last evaluated: 2023-07-22. Review status: criteria provided, single submitter. Criteria: ACMG Guidelines, 2015. Collection method: clinical testing. Allele origin: germline. Inheritance: Autosomal dominant inheritance. Observed: 1 variant allele, 1 heterozygote.
Comment: This study involves interpretation of variants in research participants for the purpose of population health screening. Participant phenotype was not available at the time of variant classification. Additional details can be found in publication PMID: 35346344, PMCID: PMC8962531

NM_000540.3(RYR1):c.5610C>T (p.Val1870=)

Gene: RYR1 (ryanodine receptor 1; plus strand). Cytogenetic location: 19q13.2.
Variant type: single nucleotide variant.
Coding change: c.5610C>T on transcript NM_000540.3 (MANE Select); coding-DNA position 5610, C replaced by T.
Protein change: p.Val1870=; no amino-acid change (valine 1870 retained).
Molecular consequence: synonymous variant.
Genome position (GRCh38, 1-based): chr19:38,489,239, C>T. VCF-style: chr19-38489239-C-T. GRCh37 (hg19) VCF-style: chr19-38979879-C-T.
Other names: c.5610C>T, p.Val1870= (NM_001042723.2).
Identifiers: ClinVar variation 3072516 (VCV003072516.1), dbSNP rs2514245487, ClinGen allele CA507353639.
Genomic context (GRCh38, chr19:38,489,239, plus strand): 5'-GATGGGCATCTTTGGCGATGAGGATGTGAAACAGATCTTGAAGATGATTGAGCCTGAGGT[C>T]TTCACTGAGGAAGAAGAGGAGGAGGACGAGGAGGAAGAGGGTGAAGAGGAAGATGAGGAG-3'
Protein context (NP_000531.2, residues 1860-1880): KQILKMIEPE[Val1870=]FTEEEEEEDE